The following is an entry in ClinVar:

NM_000093.5(COL5A1):c.3171T>C (p.Gly1057=)

Gene: COL5A1 (collagen type V alpha 1 chain; plus strand). Cytogenetic location: 9q34.3.
Variant type: single nucleotide variant.
Coding change: c.3171T>C on transcript NM_000093.5 (MANE Select); coding-DNA position 3171, T replaced by C.
Protein change: p.Gly1057=; no amino-acid change (glycine 1057 retained).
Molecular consequence: synonymous variant.
Genome position (GRCh38, 1-based): chr9:134,805,031, T>C. VCF-style: chr9-134805031-T-C. GRCh37 (hg19) VCF-style: chr9-137696877-T-C.
Other names: c.3171T>C, p.Gly1057= (NM_001278074.1).
Identifiers: ClinVar variation 518054 (VCV000518054.10), dbSNP rs943030077, ClinGen allele CA201080552.

ClinVar aggregate classification (germline): Likely benign. Review status: criteria provided, multiple submitters, no conflicts (2 of 4 stars). 3 submissions from 3 submitters: Likely benign (3). Last evaluated 2026-01-19.

Conditions:
Familial thoracic aortic aneurysm and aortic dissection (TAAD). Also called: Thoracic aortic aneurysms and dissections. Identifiers: Orphanet 91387, MedGen C4707243, MONDO:0019625.
Ehlers-Danlos syndrome, classic type, 1 (EDSCL1). Also called: Ehlers-Danlos Syndrome, Classic Type, COL5A1-Related; EDS I; Ehlers-Danlos syndrome, type 1; EHLERS-DANLOS SYNDROME, GRAVIS TYPE; EHLERS-DANLOS SYNDROME, SEVERE CLASSIC TYPE. Identifiers: MedGen C0268335, MONDO:0019567, OMIM 130000.

Allele frequency attached by ClinVar (database versions not stated): gnomAD exomes below 0.00001; TOPMed 0.00001.
gnomAD v4.1: 5 of 1,613,916 alleles (0.00031%); highest among the groups gnomAD compares: Non-Finnish European, 0.000085%; no homozygotes.

Submissions (3):

Labcorp Genetics (formerly Invitae), Labcorp
Classification: Likely benign for Ehlers-Danlos syndrome, classic type, 1. Last evaluated: 2026-01-19. Review status: criteria provided, single submitter. Criteria: Invitae Variant Classification Sherloc (09022015). Collection method: clinical testing. Allele origin: germline.

Ambry Genetics
Classification: Likely benign for Familial thoracic aortic aneurysm and aortic dissection. Last evaluated: 2025-02-10. Review status: criteria provided, single submitter. Criteria: Ambry Variant Classification Scheme 2023. Collection method: clinical testing. Allele origin: germline.

GeneDx
Classification: Likely benign. Last evaluated: 2017-06-15. Review status: criteria provided, single submitter. Criteria: GeneDx Variant Classification (06012015). Collection method: clinical testing. Allele origin: germline. Affected: yes.
Comment: This variant is considered likely benign or benign based on one or more of the following criteria: it is a conservative change, it occurs at a poorly conserved position in the protein, it is predicted to be benign by multiple in silico algorithms, and/or has population frequency not consistent with disease.